The following is an entry in ClinVar:

ClinVar aggregate classification (germline): Pathogenic (0 of 4 stars; one submission).

Conditions:
Anophthalmia/microphthalmia-esophageal atresia syndrome (MCOPS3). Also called: MICROPHTHALMIA AND ESOPHAGEAL ATRESIA SYNDROME; AEG SYNDROME; SOX2 Disorder. Identifiers: Orphanet 77298, MedGen C1859773, MONDO:0008799, OMIM 206900.

Submission:

Anophthalmia/Microphthalmia Research Registry, Einstein Medical Center Philadelphia
Classification: Pathogenic for Anophthalmia/microphthalmia-esophageal atresia syndrome. Review status: no assertion criteria provided. Collection method: research. Allele origin: germline. Inheritance: Autosomal dominant inheritance. Affected: yes. Observed: 1 variant allele. Segregation with disease not observed.

GRCh37/hg19 3q26.33(chr3:180913778-181432287)x1

Genes: SOX2 (SRY-box transcription factor 2; plus strand), SOX2-OT (SOX2 overlapping transcript; plus strand). Cytogenetic location: 3q26.33.
Variant type: copy number loss.
Change: copy number 1 (one copy instead of two) of chr3:180,913,778-181,432,287 (518.5 kb, GRCh37 coordinates, 1-based), cytogenetic band 3q26.33.
Identifiers: ClinVar variation 986760 (VCV000986760.1).